The following is an entry in ClinVar:

ClinVar aggregate classification (germline): Uncertain significance. Review status: criteria provided, multiple submitters, no conflicts (2 of 4 stars). 2 submissions from 2 submitters: Uncertain significance (2). Last evaluated 2022-11-14.

Conditions:
ANKRD1-related dilated cardiomyopathy. Identifiers: MedGen CN119551.

Submissions (2):

GeneDx
Classification: Uncertain significance. Last evaluated: 2022-11-14. Review status: criteria provided, single submitter. Criteria: GeneDx Variant Classification Process June 2021. Collection method: clinical testing. Allele origin: germline. Affected: yes.
Comment: Has not been previously published as pathogenic or benign to our knowledge; Not observed at significant frequency in large population cohorts (gnomAD); In silico analysis supports that this missense variant has a deleterious effect on protein structure/function

Labcorp Genetics (formerly Invitae), Labcorp
Classification: Uncertain significance for ANKRD1-related dilated cardiomyopathy. Last evaluated: 2021-11-16. Review status: criteria provided, single submitter. Criteria: Invitae Variant Classification Sherloc (09022015). Collection method: clinical testing. Allele origin: germline.
Comment: In summary, the available evidence is currently insufficient to determine the role of this variant in disease. Therefore, it has been classified as a Variant of Uncertain Significance. Algorithms developed to predict the effect of missense changes on protein structure and function are either unavailable or do not agree on the potential impact of this missense change (SIFT: "Deleterious"; PolyPhen-2: "Possibly Damaging"; Align-GVGD: "Class C0"). This variant has not been reported in the literature in individuals affected with ANKRD1-related conditions. This variant is not present in population databases (gnomAD no frequency). This sequence change replaces serine, which is neutral and polar, with phenylalanine, which is neutral and non-polar, at codon 310 of the ANKRD1 protein (p.Ser310Phe).

NM_014391.3(ANKRD1):c.929C>T (p.Ser310Phe)

Gene: ANKRD1 (ankyrin repeat domain 1; minus strand). Cytogenetic location: 10q23.31.
Variant type: single nucleotide variant.
Coding change: c.929C>T on transcript NM_014391.3 (MANE Select); coding-DNA position 929, C replaced by T.
Protein change: p.Ser310Phe; replaces serine 310 with phenylalanine.
Molecular consequence: missense variant.
Genome position (GRCh38, 1-based): chr10:90,912,897, G>A on the plus strand (C>T on the coding strand, the complement: ANKRD1 is on the minus strand). VCF-style: chr10-90912897-G-A. GRCh37 (hg19) VCF-style: chr10-92672654-G-A.
Other names: c.929C>T (NM_014391.2); short protein forms S310F.
Identifiers: ClinVar variation 1438498 (VCV001438498.6), dbSNP rs1847330912, ClinGen allele CA377547589.
Genomic context (GRCh38, chr10:90,912,897, plus strand): 5'-ATTTACTGATTAAGAGTCTGTCGTTTGCCTCAGAATGTAGCTATGCGAGAGGTCTTGTAG[G>A]AGTTCTCTCTGAGGCTGTCGAATATTGCTTTGGTTCCATTCTGCCAGTGTAGCACCAGAT-3'
Protein context (NP_055206.2, residues 300-319): KAIFDSLREN[Ser310Phe]YKTSRIATF